The following is an entry in ClinVar:

NM_001134407.3(GRIN2A):c.522C>A (p.Thr174=)

Gene: GRIN2A (glutamate ionotropic receptor NMDA type subunit 2A; minus strand). Cytogenetic location: 16p13.2.
Variant type: single nucleotide variant.
Coding change: c.522C>A on transcript NM_001134407.3 (MANE Select); coding-DNA position 522, C replaced by A.
Protein change: p.Thr174=; no amino-acid change (threonine 174 retained).
Molecular consequence: synonymous variant.
Genome position (GRCh38, 1-based): chr16:9,938,444, G>T on the plus strand (C>A on the coding strand, the complement: GRIN2A is on the minus strand). VCF-style: chr16-9938444-G-T. GRCh37 (hg19) VCF-style: chr16-10032301-G-T.
Other names: c.522C>A, p.Thr174= (NM_000833.5, NM_001134408.2).
Identifiers: ClinVar variation 464064 (VCV000464064.16), dbSNP rs771962690, ClinGen allele CA7896936.

ClinVar aggregate classification (germline): Likely benign. Review status: criteria provided, multiple submitters, no conflicts (2 of 4 stars). 3 submissions from 3 submitters: Likely benign (3). Last evaluated 2026-05-01.

Conditions:
Inborn genetic diseases. Identifiers: MedGen C0950123, MeSH D030342.
Landau-Kleffner syndrome (FESD). Also called: EPILEPSY, FOCAL, WITH SPEECH DISORDER AND WITH OR WITHOUT MENTAL RETARDATION; APHASIA, ACQUIRED, WITH EPILEPSY. Identifiers: Orphanet 1945, Orphanet 725, Orphanet 98818, MedGen C0282512, MONDO:0009509, OMIM 245570.

Allele frequency attached by ClinVar (database versions not stated): TOPMed 0.00003.
gnomAD v4.1: 15 of 1,613,692 alleles (0.00093%); highest among the groups gnomAD compares: Admixed American, 0.02%; no homozygotes.

Submissions (3):

CeGaT Center for Human Genetics Tuebingen
Classification: Likely benign. Last evaluated: 2026-05-01. Review status: criteria provided, single submitter. Criteria: CeGaT Center For Human Genetics Tuebingen Variant Classification Criteria Version 2. Collection method: clinical testing. Allele origin: germline. Affected: yes. Observed: 1 variant allele.
Comment: GRIN2A: BP4

Labcorp Genetics (formerly Invitae), Labcorp
Classification: Likely benign for Landau-Kleffner syndrome. Last evaluated: 2025-12-08. Review status: criteria provided, single submitter. Criteria: Invitae Variant Classification Sherloc (09022015). Collection method: clinical testing. Allele origin: germline.

Ambry Genetics
Classification: Likely benign for Inborn genetic diseases. Last evaluated: 2019-01-02. Review status: criteria provided, single submitter. Criteria: Ambry Variant Classification Scheme 2023. Collection method: clinical testing. Allele origin: germline.